The following is an entry in ClinVar:

ClinVar aggregate classification (germline): Uncertain significance (1 of 4 stars; one submission).

Conditions:
Dilated cardiomyopathy 1G (CMD1G). Identifiers: Orphanet 154, MedGen C1858763, MONDO:0011400, OMIM 604145.
Autosomal recessive limb-girdle muscular dystrophy type 2J (LGMDR10). Also called: Limb-girdle muscular dystrophy, type 2J; MUSCULAR DYSTROPHY, LIMB-GIRDLE, AUTOSOMAL RECESSIVE 10. Identifiers: Orphanet 140922, MedGen C1837342, MONDO:0012127, OMIM 608807.

gnomAD v4.1: 1 of 1,613,778 alleles (0.000062%); highest among the groups gnomAD compares: Non-Finnish European, 0.000085%; no homozygotes.

Submission:

Labcorp Genetics (formerly Invitae), Labcorp
Classification: Uncertain significance for Dilated cardiomyopathy 1G; Autosomal recessive limb-girdle muscular dystrophy type 2J. Last evaluated: 2025-02-26. Review status: criteria provided, single submitter. Criteria: Invitae Variant Classification Sherloc (09022015). Collection method: clinical testing. Allele origin: germline.
Comment: This sequence change replaces serine, which is neutral and polar, with proline, which is neutral and non-polar, at codon 35820 of the TTN protein (p.Ser35820Pro). This variant is not present in population databases (gnomAD no frequency). This variant has not been reported in the literature in individuals affected with TTN-related conditions. Experimental studies and prediction algorithms are not available or were not evaluated, and the functional significance of this variant is currently unknown. This variant is located in the M band of TTN (PMID: 25589632). Non-truncating variants in this region may be relevant for neuromuscular disorders, but have not been definitively shown to cause cardiomyopathy (PMID: 23975875). In summary, the available evidence is currently insufficient to determine the role of this variant in disease. Therefore, it has been classified as a Variant of Uncertain Significance.

Literature cited by the submitters: PubMed 25589632; PubMed 23975875.

NM_001267550.2(TTN):c.107458T>C (p.Ser35820Pro)

Genes: TTN (titin; minus strand), TTN-AS1 (TTN antisense RNA 1; plus strand). Cytogenetic location: 2q31.2.
Variant type: single nucleotide variant.
Coding change: c.107458T>C on transcript NM_001267550.2 (MANE Select); coding-DNA position 107458, T replaced by C.
Protein change: p.Ser35820Pro; replaces serine 35820 with proline.
Molecular consequence: missense variant.
Genome position (GRCh38, 1-based): chr2:178,527,668, A>G on the plus strand (T>C on the coding strand, the complement: TTN is on the minus strand). VCF-style: chr2-178527668-A-G. GRCh37 (hg19) VCF-style: chr2-179392395-A-G.
Other names: c.102535T>C, p.Ser34179Pro (NM_001256850.1); c.80263T>C, p.Ser26755Pro (NM_003319.4); c.99754T>C, p.Ser33252Pro (NM_133378.4); c.80638T>C, p.Ser26880Pro (NM_133432.3); c.80839T>C, p.Ser26947Pro (NM_133437.4); short protein forms S26755P, S33252P, S26880P, S26947P, S34179P, S35820P.
Identifiers: ClinVar variation 4784246 (VCV004784246.1).